The following is an entry in ClinVar:

ClinVar aggregate classification (germline): Uncertain significance. Review status: criteria provided, multiple submitters, no conflicts (2 of 4 stars). 2 submissions from 2 submitters: Uncertain significance (2). Last evaluated 2026-04-15.

Conditions:
SDCCAG8-related disorder. Also called: SDCCAG8-Related Disorders; SDCCAG8-related condition.
Bardet-Biedl syndrome 16 (BBS16). Identifiers: Orphanet 110, MedGen C3889474, MONDO:0014444, OMIM 615993.
Senior-Loken syndrome 7 (SLSN7). Identifiers: Orphanet 3156, MedGen C3150877, MONDO:0013326, OMIM 613615.

Allele frequency attached by ClinVar (database versions not stated): gnomAD 0.00001; TOPMed 0.00002; gnomAD exomes 0.00004 and 0.00006; ESP Exome Variant Server 0.00008; ExAC 0.00010.
gnomAD v4.1: 57 of 1,613,620 alleles (0.0035%); highest among the groups gnomAD compares: Non-Finnish European, 0.0046%; no homozygotes.

Submissions (2):

PreventionGenetics, part of Exact Sciences
Classification: Uncertain significance for SDCCAG8-related condition. Last evaluated: 2026-04-15. Review status: criteria provided, single submitter. Criteria: ACMG Guidelines, 2015. Collection method: clinical testing. Allele origin: germline.
Comment: The SDCCAG8 c.1888T>C variant is predicted to result in the amino acid substitution p.Tyr630His. To our knowledge, this variant has not been reported in the literature. This variant is reported in 0.011% of alleles in individuals of European (Non-Finnish) descent in gnomAD. At this time, the clinical significance of this variant is uncertain due to the absence of conclusive functional and genetic evidence.

Labcorp Genetics (formerly Invitae), Labcorp
Classification: Uncertain significance for Bardet-Biedl syndrome 16; Senior-Loken syndrome 7. Last evaluated: 2023-08-10. Review status: criteria provided, single submitter. Criteria: Invitae Variant Classification Sherloc (09022015). Collection method: clinical testing. Allele origin: germline.
Comment: This sequence change replaces tyrosine, which is neutral and polar, with histidine, which is basic and polar, at codon 630 of the SDCCAG8 protein (p.Tyr630His). In summary, the available evidence is currently insufficient to determine the role of this variant in disease. Therefore, it has been classified as a Variant of Uncertain Significance. Advanced modeling of protein sequence and biophysical properties (such as structural, functional, and spatial information, amino acid conservation, physicochemical variation, residue mobility, and thermodynamic stability) performed at Invitae indicates that this missense variant is not expected to disrupt SDCCAG8 protein function. ClinVar contains an entry for this variant (Variation ID: 1390270). This variant has not been reported in the literature in individuals affected with SDCCAG8-related conditions. This variant is present in population databases (rs138187640, gnomAD 0.01%).

NM_006642.5(SDCCAG8):c.1888T>C (p.Tyr630His)

Gene: SDCCAG8 (SHH signaling and ciliogenesis regulator SDCCAG8; plus strand). Cytogenetic location: 1q43.
Variant type: single nucleotide variant.
Coding change: c.1888T>C on transcript NM_006642.5 (MANE Select); coding-DNA position 1888, T replaced by C.
Protein change: p.Tyr630His; replaces tyrosine 630 with histidine.
Molecular consequence: missense variant.
Genome position (GRCh38, 1-based): chr1:243,426,461, T>C. VCF-style: chr1-243426461-T-C. GRCh37 (hg19) VCF-style: chr1-243589763-T-C.
Other names: c.985T>C, p.Tyr329His (NM_001350246.2, NM_001350247.2, NM_001350251.2); c.1984T>C, p.Tyr662His (NM_001350248.2); c.1594T>C, p.Tyr532His (NM_001350249.2); c.1888T>C (NM_006642.3); short protein forms Y532H, Y662H, Y329H, Y630H.
Identifiers: ClinVar variation 1390270 (VCV001390270.6), dbSNP rs138187640, ClinGen allele CA1483769.